The following is an entry in ClinVar:

NM_001395159.1(UNC79):c.4403C>A (p.Pro1468His)

Gene: UNC79 (unc-79 homolog, NALCN channel complex subunit; plus strand). Cytogenetic location: 14q32.12.
Variant type: single nucleotide variant.
Coding change: c.4403C>A on transcript NM_001395159.1 (MANE Select); coding-DNA position 4403, C replaced by A.
Protein change: p.Pro1468His; replaces proline 1468 with histidine.
Molecular consequence: missense variant.
Genome position (GRCh38, 1-based): chr14:93,618,304, C>A. VCF-style: chr14-93618304-C-A. GRCh37 (hg19) VCF-style: chr14-94084650-C-A.
Other names: c.4337C>A, p.Pro1446His (NM_001346218.2); c.3806C>A, p.Pro1269His (NM_020818.5); short protein forms P1269H, P1446H, P1468H.
Identifiers: ClinVar variation 3906584 (VCV003906584.1).
Genomic context (GRCh38, chr14:93,618,304, plus strand): 5'-TAACAGTCAATACACTCAATGCGCAGTATCATAGCTGCAAGCCCCATGCCACGGCAGGAC[C>A]TTTGTACAGTGACAACAGTAACATAAGCAGATACAGCGAAAAAGAAAAAGGTACATATCT-3'
Protein context (NP_001382088.1, residues 1458-1478): HSCKPHATAG[Pro1468His]LYSDNSNISR

ClinVar aggregate classification (germline): Uncertain significance (1 of 4 stars; one submission).

Submission:

GeneDx
Classification: Uncertain significance. Last evaluated: 2024-12-12. Review status: criteria provided, single submitter. Criteria: GeneDx Variant Classification Process June 2021. Collection method: clinical testing. Allele origin: germline. Affected: yes.
Comment: Not observed at significant frequency in large population cohorts (gnomAD); In silico analysis supports that this missense variant has a deleterious effect on protein structure/function; Has not been previously published as pathogenic or benign to our knowledge